The following is an entry in ClinVar:

NM_006158.5(NEFL):c.-37A>C

Gene: NEFL (neurofilament light chain; minus strand). Cytogenetic location: 8p21.2.
Variant type: single nucleotide variant.
Coding change: c.-37A>C on transcript NM_006158.5 (MANE Select); 37 bases upstream of the start codon, A replaced by C.
Molecular consequence: 5 prime UTR variant.
Genome position (GRCh38, 1-based): chr8:24,956,552, T>G on the plus strand (A>C on the coding strand, the complement: NEFL is on the minus strand). VCF-style: chr8-24956552-T-G. GRCh37 (hg19) VCF-style: chr8-24814066-T-G.
Identifiers: ClinVar variation 379368 (VCV000379368.1), dbSNP rs764769970, ClinGen allele CA4681574.
Genomic context (GRCh38, chr8:24,956,552, plus strand): 5'-CGGCTCGTAGCTGAAGGAACTCATGGTGGCGGCCGGTGGCTCCCCGGCCCGCGGCGGCGG[T>G]GGGAGCCCGGAGAGAGAGGACAGGGGAGAGAGGGAAGGGGGAGGATGGATGGCTGTGTGC-3'

ClinVar aggregate classification (germline): Likely benign (1 of 4 stars; one submission).

Allele frequency attached by ClinVar (database versions not stated): TOPMed 0.00002; gnomAD exomes 0.00003 and 0.00004; ExAC 0.00011.
gnomAD v4.1: 38 of 1,551,316 alleles (0.0024%); highest among the groups gnomAD compares: Non-Finnish European, 0.00017%; no homozygotes.

Submission:

GeneDx
Classification: Likely benign. Last evaluated: 2016-11-17. Review status: criteria provided, single submitter. Criteria: GeneDx Variant Classification (06012015). Collection method: clinical testing. Allele origin: germline. Affected: yes.
Comment: This variant is considered likely benign or benign based on one or more of the following criteria: it is a conservative change, it occurs at a poorly conserved position in the protein, it is predicted to be benign by multiple in silico algorithms, and/or has population frequency not consistent with disease.